The following is an entry in ClinVar:

ClinVar aggregate classification (germline): Conflicting classifications of pathogenicity. Review status: criteria provided, conflicting classifications (1 of 4 stars). 3 submissions from 3 submitters: Uncertain significance (1); Likely benign (2). Last evaluated 2025-10-14.

Conditions:
SPG11-related disorder. Also called: SPG11-related condition.
Hereditary spastic paraplegia 11. Also called: Nakamura Osame syndrome; Autosomal recessive hereditary spastic paraplegia, mental impairment, and thin corpus callosum; Spastic paraplegia, mental retardation and thin corpus callosum; SPASTIC PARAPLEGIA, AUTOSOMAL RECESSIVE, COMPLICATED, WITH THIN CORPUS CALLOSUM; SPASTIC PARAPLEGIA, AUTOSOMAL RECESSIVE, WITH MENTAL IMPAIRMENT AND THIN CORPUS CALLOSUM; Spastic Paraplegia 11. Identifiers: Orphanet 2822, MedGen C1858479, MONDO:0011445, OMIM 604360.

Allele frequency attached by ClinVar (database versions not stated): ExAC 0.00001.

Submissions (3):

Labcorp Genetics (formerly Invitae), Labcorp
Classification: Likely benign for Hereditary spastic paraplegia 11. Last evaluated: 2025-10-14. Review status: criteria provided, single submitter. Criteria: Invitae Variant Classification Sherloc (09022015). Collection method: clinical testing. Allele origin: germline.

PreventionGenetics, part of Exact Sciences
Classification: Likely benign for SPG11-related condition. Last evaluated: 2025-07-01. Review status: criteria provided, single submitter. Criteria: ACMG Guidelines, 2015. Collection method: clinical testing. Allele origin: germline.
Comment: This variant is classified as likely benign based on ACMG/AMP sequence variant interpretation guidelines (Richards et al. 2015 PMID: 25741868, with internal and published modifications).

Illumina Laboratory Services, Illumina
Classification: Uncertain significance for Hereditary spastic paraplegia 11. Last evaluated: 2018-01-13. Review status: criteria provided, single submitter. Criteria: ICSL Variant Classification Criteria 13 December 2019. Collection method: clinical testing. Allele origin: germline.

NM_025137.4(SPG11):c.3132C>G (p.Ala1044=)

Gene: SPG11 (SPG11 vesicle trafficking associated, spatacsin; minus strand). Cytogenetic location: 15q21.1.
Variant type: single nucleotide variant.
Coding change: c.3132C>G on transcript NM_025137.4 (MANE Select); coding-DNA position 3132, C replaced by G.
Protein change: p.Ala1044=; no amino-acid change (alanine 1044 retained).
Molecular consequence: synonymous variant.
Genome position (GRCh38, 1-based): chr15:44,613,443, G>C on the plus strand (C>G on the coding strand, the complement: SPG11 is on the minus strand). VCF-style: chr15-44613443-G-C. GRCh37 (hg19) VCF-style: chr15-44905641-G-C.
Other names: c.3132C>G, p.Ala1044= (NM_001160227.2).
Identifiers: ClinVar variation 887892 (VCV000887892.14), dbSNP rs770666794, ClinGen allele CA7535060.